The following is an entry in ClinVar:

ClinVar aggregate classification (germline): Uncertain significance (1 of 4 stars; one submission).

Conditions:
Lipodystrophy, partial, acquired, susceptibility to (APLD). Also called: APLD, SUSCEPTIBILITY TO. Identifiers: MedGen C3887501, MONDO:0100476, OMIM 608709.
Progressive myoclonic epilepsy type 9. Identifiers: Orphanet 457265, MedGen C4225289, MONDO:0014685, OMIM 616540.

Allele frequency attached by ClinVar (database versions not stated): gnomAD exomes 0.00001; gnomAD 0.00001; TOPMed 0.00001.
gnomAD v4.1: 16 of 1,612,816 alleles (0.00099%); highest among the groups gnomAD compares: Non-Finnish European, 0.0012%; no homozygotes.

Submission:

Labcorp Genetics (formerly Invitae), Labcorp
Classification: Uncertain significance for Progressive myoclonic epilepsy type 9; Lipodystrophy, partial, acquired, susceptibility to. Last evaluated: 2025-10-26. Review status: criteria provided, single submitter. Criteria: Invitae Variant Classification Sherloc (09022015). Collection method: clinical testing. Allele origin: germline.
Comment: This sequence change replaces arginine, which is basic and polar, with tryptophan, which is neutral and slightly polar, at codon 181 of the LMNB2 protein (p.Arg181Trp). This variant is present in population databases (no rsID available, gnomAD 0.0008%). This variant has not been reported in the literature in individuals affected with LMNB2-related conditions. ClinVar contains an entry for this variant (Variation ID: 1035450). Invitae Evidence Modeling of protein sequence and biophysical properties (such as structural, functional, and spatial information, amino acid conservation, physicochemical variation, residue mobility, and thermodynamic stability) indicates that this missense variant is expected to disrupt LMNB2 protein function with a positive predictive value of 80%. In summary, the available evidence is currently insufficient to determine the role of this variant in disease. Therefore, it has been classified as a Variant of Uncertain Significance.

NM_032737.4(LMNB2):c.541C>T (p.Arg181Trp)

Gene: LMNB2 (lamin B2; minus strand). Cytogenetic location: 19p13.3.
Variant type: single nucleotide variant.
Coding change: c.541C>T on transcript NM_032737.4 (MANE Select); coding-DNA position 541, C replaced by T.
Protein change: p.Arg181Trp; replaces arginine 181 with tryptophan.
Molecular consequence: missense variant.
Genome position (GRCh38, 1-based): chr19:2,438,392, G>A on the plus strand (C>T on the coding strand, the complement: LMNB2 is on the minus strand). VCF-style: chr19-2438392-G-A. GRCh37 (hg19) VCF-style: chr19-2438390-G-A.
Other names: short protein forms R181W.
Identifiers: ClinVar variation 1035450 (VCV001035450.8), dbSNP rs1204917895, ClinGen allele CA403257406.